The following is an entry in ClinVar:

ClinVar aggregate classification (germline): Likely benign. Review status: criteria provided, multiple submitters, no conflicts (2 of 4 stars). 5 submissions from 5 submitters: Likely benign (4). 1 of the submissions does not count toward it. Last evaluated 2026-01-28.

Conditions:
Waardenburg syndrome type 2A (WS2A). Also called: WAARDENBURG SYNDROME WITHOUT DYSTOPIA CANTHORUM. Identifiers: Orphanet 3440, MedGen C1860339, MONDO:0008671, OMIM 193510.
Melanoma, cutaneous malignant, susceptibility to, 8. Also called: MELANOMA AND RENAL CELL CARCINOMA, SUSCEPTIBILITY TO; Cutaneous malignant melanoma 8. Identifiers: Orphanet 293822, MedGen C3152204, MONDO:0013759, OMIM 614456.
Tietz syndrome (TADS). Also called: TIETZ ALBINISM-DEAFNESS SYNDROME; ALBINISM-DEAFNESS OF TIETZ; HYPOPIGMENTATION/DEAFNESS OF TIETZ. Identifiers: Orphanet 42665, MedGen C0391816, MONDO:0007077, OMIM 103500.
MITF-related disorder. Also called: MITF-related condition.

Allele frequency attached by ClinVar (database versions not stated): gnomAD exomes 0.00004 and 0.00022; gnomAD 0.00006 and 0.00013; TOPMed 0.00008; ExAC 0.00016; 1000 Genomes Project 30x 0.00172; 1000 Genomes Project 0.00180.
gnomAD v4.1: 85 of 1,614,120 alleles (0.0053%); highest among the groups gnomAD compares: East Asian, 0.17%; no homozygotes.

Submissions (5):

Labcorp Genetics (formerly Invitae), Labcorp
Classification: Likely benign for Melanoma, cutaneous malignant, susceptibility to, 8; Waardenburg syndrome type 2A; Tietz syndrome. Last evaluated: 2026-01-28. Review status: criteria provided, single submitter. Criteria: Invitae Variant Classification Sherloc (09022015). Collection method: clinical testing. Allele origin: germline.

KCCC/NGS Laboratory, Kuwait Cancer Control Center
Classification: Likely benign for Melanoma, cutaneous malignant, susceptibility to, 8. Last evaluated: 2023-07-07. Review status: criteria provided, single submitter. Criteria: ACMG Guidelines, 2015. Collection method: clinical testing. Allele origin: germline. Affected: yes.

GeneDx
Classification: Likely benign. Last evaluated: 2021-05-12. Review status: criteria provided, single submitter. Criteria: GeneDx Variant Classification Process June 2021. Collection method: clinical testing. Allele origin: germline. Affected: yes.

Laboratory for Molecular Medicine, Mass General Brigham Personalized Medicine
Classification: Likely benign. Last evaluated: 2015-04-17. Review status: criteria provided, single submitter. Criteria: LMM Criteria. Collection method: clinical testing. Allele origin: germline. Observed: 1 variant allele.
Comment: p.Glu208Gly in exon 4 of MITF: This variant is not expected to have clinical sig nficance because it has been in 0.22% (19/8540) of East Asian chromosomes by the Exome Aggregation Consortium (ExAC; dbSNP rs200 108255).

PreventionGenetics, part of Exact Sciences
Classification: Likely benign for MITF-related condition. Last evaluated: 2024-02-14. Review status: no assertion criteria provided. Collection method: clinical testing. Allele origin: germline. Not counted in ClinVar's aggregate classification.
Comment: This variant is classified as likely benign based on ACMG/AMP sequence variant interpretation guidelines (Richards et al. 2015 PMID: 25741868, with internal and published modifications).

NM_001354604.2(MITF):c.623A>G (p.Glu208Gly)

Gene: MITF (melanocyte inducing transcription factor; plus strand). Cytogenetic location: 3p13.
Variant type: single nucleotide variant.
Coding change: c.623A>G on transcript NM_001354604.2 (MANE Select); coding-DNA position 623, A replaced by G.
Protein change: p.Glu208Gly; replaces glutamic acid 208 with glycine.
Molecular consequence: missense variant.
Genome position (GRCh38, 1-based): chr3:69,939,138, A>G. VCF-style: chr3-69939138-A-G. GRCh37 (hg19) VCF-style: chr3-69988289-A-G.
Other names: c.620A>G, p.Glu207Gly (NM_001354605.2, NM_001354606.2, NM_006722.3); c.134A>G, p.Glu45Gly (NM_198178.3); c.572A>G, p.Glu191Gly (NM_001354607.2); c.467A>G, p.Glu156Gly (NM_001354608.2, NM_001184967.2); c.302A>G, p.Glu101Gly (NM_198158.3, NM_000248.4); c.623A>G, p.Glu208Gly (NM_198159.3); c.575A>G, p.Glu192Gly (NM_198177.3); short protein forms E101G, E208G, E156G, E192G, E207G, E191G, E45G.
Identifiers: ClinVar variation 227546 (VCV000227546.17), dbSNP rs200108255, ClinGen allele CA2490404.